The following is an entry in ClinVar:

ClinVar aggregate classification (germline): Conflicting classifications of pathogenicity. Review status: criteria provided, conflicting classifications (1 of 4 stars). 5 submissions from 5 submitters: Uncertain significance (4); Likely benign (1). Last evaluated 2026-09-09.

Conditions:
Parkinsonian-pyramidal syndrome. Also called: PARKINSON DISEASE 15, AUTOSOMAL RECESSIVE; PARKINSON DISEASE 15, AUTOSOMAL RECESSIVE EARLY-ONSET; PALLIDOPYRAMIDAL SYNDROME. Identifiers: Orphanet 171695, MedGen C1850100, MONDO:0009830, OMIM 260300.

Allele frequency attached by ClinVar (database versions not stated): gnomAD exomes 0.00051; 1000 Genomes Project 0.00020; ExAC 0.00031; ESP Exome Variant Server 0.00023; gnomAD 0.00032; TOPMed 0.00042; 1000 Genomes Project 30x 0.00016.
gnomAD v4.1: 550 of 1,614,176 alleles (0.034%); highest among the groups gnomAD compares: Admixed American, 0.22%; no homozygotes.

Submissions (5):

GeneDx
Classification: Uncertain significance. Last evaluated: 2026-09-09. Review status: criteria provided, single submitter. Criteria: GeneDx Variant Classification Process June 2021. Collection method: clinical testing. Allele origin: germline.
Comment: In silico analysis suggests that this missense variant does not alter protein structure/function; This variant is associated with the following publications: (PMID: 24112787, 27393345)

Labcorp Genetics (formerly Invitae), Labcorp
Classification: Likely benign for Parkinsonian-pyramidal syndrome. Last evaluated: 2025-11-24. Review status: criteria provided, single submitter. Criteria: Invitae Variant Classification Sherloc (09022015). Collection method: clinical testing. Allele origin: germline.

Revvity Omics, Revvity
Classification: Uncertain significance for Parkinsonian-pyramidal syndrome. Last evaluated: 2021-11-22. Review status: criteria provided, single submitter. Criteria: ACMG Guidelines, 2015. Collection method: clinical testing. Allele origin: germline.

Illumina Laboratory Services, Illumina
Classification: Uncertain significance for Parkinsonian-pyramidal syndrome. Last evaluated: 2017-04-27. Review status: criteria provided, single submitter. Criteria: ICSL Variant Classification Criteria 13 December 2019. Collection method: clinical testing. Allele origin: germline.
Comment: This variant was observed as part of a predisposition screen in an ostensibly healthy population. A literature search was performed for the gene, cDNA change, and amino acid change (where applicable). Publications were found based on this search. However, the evidence from the literature, in combination with allele frequency data from public databases where available, was not sufficient to rule this variant in or out of causing disease. Therefore, this variant is classified as a variant of unknown significance.

CENTOGENE GmbH and LLC - Guiding Precision Medicine
Classification: Uncertain significance for Parkinsonian-pyramidal syndrome. Last evaluated: 2015-05-27. Review status: criteria provided, single submitter. Criteria: ACMG Guidelines, 2015. Collection method: clinical testing. Allele origin: germline. Affected: yes.

Literature cited by the submitters: PubMed 24112787 (cited by Illumina Laboratory Services, Illumina).

NM_012179.4(FBXO7):c.277T>G (p.Ser93Ala)

Gene: FBXO7 (F-box protein 7; plus strand). Cytogenetic location: 22q12.3.
Variant type: single nucleotide variant.
Coding change: c.277T>G on transcript NM_012179.4 (MANE Select); coding-DNA position 277, T replaced by G.
Protein change: p.Ser93Ala; replaces serine 93 with alanine.
Molecular consequence: missense variant. On other transcripts: 5 prime UTR variant (1).
Genome position (GRCh38, 1-based): chr22:32,479,135, T>G. VCF-style: chr22-32479135-T-G. GRCh37 (hg19) VCF-style: chr22-32875122-T-G.
Other names: c.40T>G, p.Ser14Ala (NM_001033024.2); c.-66T>G (NM_001257990.2); short protein forms S93A, S14A.
Identifiers: ClinVar variation 901598 (VCV000901598.16), dbSNP rs143041875, ClinGen allele CA10201383.